The following is an entry in ClinVar:

NM_004991.4(MECOM):c.2952T>A (p.Asp984Glu)

Gene: MECOM (MDS1 and EVI1 complex locus; minus strand). Cytogenetic location: 3q26.2.
Variant type: single nucleotide variant.
Coding change: c.2952T>A on transcript NM_004991.4 (MANE Select); coding-DNA position 2952, T replaced by A.
Protein change: p.Asp984Glu; replaces aspartic acid 984 with glutamic acid.
Molecular consequence: missense variant.
Genome position (GRCh38, 1-based): chr3:169,095,143, A>T on the plus strand (T>A on the coding strand, the complement: MECOM is on the minus strand). VCF-style: chr3-169095143-A-T. GRCh37 (hg19) VCF-style: chr3-168812931-A-T.
Other names: c.2583T>A, p.Asp861Glu (NM_001105077.4); c.2388T>A, p.Asp796Glu (NM_001105078.4, NM_001205194.2, NM_001366469.2 and 1 more transcripts); c.2364T>A, p.Asp788Glu (NM_001163999.2, NM_001366470.2); c.2361T>A, p.Asp787Glu (NM_001164000.2, NM_001366471.2, NM_001366472.2); c.2925T>A, p.Asp975Glu (NM_001366466.2); c.2391T>A, p.Asp797Glu (NM_001366467.2, NM_001366468.2); c.1953T>A, p.Asp651Glu (NM_001366473.2); c.1389T>A, p.Asp463Glu (NM_001366474.2); short protein forms D788E, D984E, D463E, D787E, D797E, D975E, D796E, D651E.
Identifiers: ClinVar variation 5024123 (VCV005024123.1).

ClinVar aggregate classification (germline): Uncertain significance (1 of 4 stars; one submission).

Conditions:
Inborn genetic diseases. Identifiers: MedGen C0950123, MeSH D030342.

Submission:

Ambry Genetics
Classification: Uncertain significance for Inborn genetic diseases. Last evaluated: 2026-06-28. Review status: criteria provided, single submitter. Criteria: Ambry Variant Classification Scheme 2023. Collection method: clinical testing. Allele origin: germline.
Comment: The p.D984E variant (also known as c.2952T>A), located in coding exon 13 of the MECOM gene, results from a T to A substitution at nucleotide position 2952. The aspartic acid at codon 984 is replaced by glutamic acid, an amino acid with highly similar properties. This amino acid position is conserved. In addition, this alteration is predicted to be tolerated by in silico analysis. Based on the available evidence, the clinical significance of this variant remains unclear.